The following is an entry in ClinVar:

ClinVar aggregate classification (germline): Conflicting classifications of pathogenicity. Review status: criteria provided, conflicting classifications (1 of 4 stars). 5 submissions from 5 submitters: Uncertain significance (4); Likely benign (1). Last evaluated 2026-01-18.

Conditions:
WNK1-related disorder. Also called: WNK1-related condition.
Inborn genetic diseases. Identifiers: MedGen C0950123, MeSH D030342.
Neuropathy, hereditary sensory and autonomic, type 2A (HSAN2A). Also called: WNK1-Related HSAN2 (HSAN2A); HSAN IIA; ACROOSTEOLYSIS, GIACCAI TYPE; ACROOSTEOLYSIS, NEUROGENIC; MORVAN DISEASE; NEUROPATHY, CONGENITAL SENSORY. Identifiers: Orphanet 970, MedGen C2752089, MONDO:0024309, OMIM 201300.
Pseudohypoaldosteronism type 2C (PHA2C). Also called: Pseudohypoaldosteronism Type IIC. Identifiers: Orphanet 757, Orphanet 88940, MedGen C1840391, MONDO:0013778, OMIM 614492.

Allele frequency attached by ClinVar (database versions not stated): gnomAD 0.00002; TOPMed 0.00005; gnomAD exomes 0.00008.
gnomAD v4.1: 69 of 1,535,492 alleles (0.0045%); highest among the groups gnomAD compares: Admixed American, 0.012%; no homozygotes.

Submissions (5):

Labcorp Genetics (formerly Invitae), Labcorp
Classification: Uncertain significance for Neuropathy, hereditary sensory and autonomic, type 2A; Pseudohypoaldosteronism type 2C. Last evaluated: 2026-01-18. Review status: criteria provided, single submitter. Criteria: Invitae Variant Classification Sherloc (09022015). Collection method: clinical testing. Allele origin: germline.
Comment: This sequence change replaces alanine, which is neutral and non-polar, with threonine, which is neutral and polar, at codon 745 of the WNK1 protein (p.Ala745Thr). This variant is present in population databases (rs763686798, gnomAD 0.03%). This variant has not been reported in the literature in individuals affected with WNK1-related conditions. ClinVar contains an entry for this variant (Variation ID: 1472148). Invitae Evidence Modeling of protein sequence and biophysical properties (such as structural, functional, and spatial information, amino acid conservation, physicochemical variation, residue mobility, and thermodynamic stability) indicates that this missense variant is not expected to disrupt WNK1 protein function with a negative predictive value of 95%. In summary, the available evidence is currently insufficient to determine the role of this variant in disease. Therefore, it has been classified as a Variant of Uncertain Significance.

PreventionGenetics, part of Exact Sciences
Classification: Uncertain significance for WNK1-related condition. Last evaluated: 2025-06-26. Review status: criteria provided, single submitter. Criteria: ACMG Guidelines, 2015. Collection method: clinical testing. Allele origin: germline.
Comment: The WNK1 c.2233G>A variant is predicted to result in the amino acid substitution p.Ala745Thr. To our knowledge, this variant has not been reported in the literature. This variant is reported in 0.024% of alleles in individuals of Latino descent in gnomAD. At this time, the clinical significance of this variant is uncertain due to the absence of conclusive functional and genetic evidence.

CeGaT Center for Human Genetics Tuebingen
Classification: Uncertain significance. Last evaluated: 2022-08-01. Review status: criteria provided, single submitter. Criteria: CeGaT Center For Human Genetics Tuebingen Variant Classification Criteria Version 2. Collection method: clinical testing. Allele origin: germline. Affected: yes. Observed: 1 variant allele.
Comment: WNK1: PM2, BP4

Ambry Genetics
Classification: Likely benign for Inborn genetic diseases. Last evaluated: 2021-10-19. Review status: criteria provided, single submitter. Criteria: Ambry Variant Classification Scheme 2023. Collection method: clinical testing. Allele origin: germline.

Fulgent Genetics
Classification: Uncertain significance for Neuropathy, hereditary sensory and autonomic, type 2A; Pseudohypoaldosteronism type 2C. Last evaluated: 2021-09-29. Review status: criteria provided, single submitter. Criteria: ACMG Guidelines, 2015. Collection method: clinical testing. Allele origin: unknown.

NM_213655.5(WNK1):c.2233G>A (p.Ala745Thr)

Gene: WNK1 (WNK lysine deficient protein kinase 1; plus strand). Cytogenetic location: 12p13.33.
Variant type: single nucleotide variant.
Coding change: c.2233G>A on transcript NM_213655.5 (MANE Plus Clinical); coding-DNA position 2233, G replaced by A.
Protein change: p.Ala745Thr; replaces alanine 745 with threonine.
Molecular consequence: missense variant. On other transcripts: intron variant (3).
Genome position (GRCh38, 1-based): chr12:865,203, G>A. VCF-style: chr12-865203-G-A. GRCh37 (hg19) VCF-style: chr12-974369-G-A.
Other names: c.2140-2663G>A (NM_001184985.2); c.2139+2933G>A (NM_018979.4, NM_014823.3); short protein forms A745T.
Identifiers: ClinVar variation 1472148 (VCV001472148.36), dbSNP rs763686798, ClinGen allele CA231495656.